The following is an entry in ClinVar:

NM_001379270.1(CNGA1):c.1529G>A (p.Arg510Gln)

Genes: CNGA1 (cyclic nucleotide gated channel subunit alpha 1; minus strand), LOC101927157 (uncharacterized LOC101927157; plus strand). Cytogenetic location: 4p12.
Variant type: single nucleotide variant.
Coding change: c.1529G>A on transcript NM_001379270.1 (MANE Select); coding-DNA position 1529, G replaced by A.
Protein change: p.Arg510Gln; replaces arginine 510 with glutamine.
Molecular consequence: missense variant.
Genome position (GRCh38, 1-based): chr4:47,936,953, C>T on the plus strand (G>A on the coding strand, the complement: CNGA1 is on the minus strand). VCF-style: chr4-47936953-C-T. GRCh37 (hg19) VCF-style: chr4-47938970-C-T.
Other names: c.1529G>A, p.Arg510Gln (NM_000087.5, NM_001142564.2); c.1541G>A (NM_000087.3); short protein forms R510Q.
Identifiers: ClinVar variation 1904954 (VCV001904954.6), dbSNP rs767503938, ClinGen allele CA2911060.
Genomic context (GRCh38, chr4:47,936,953, plus strand): 5'-TGAGTGACTCCATCATCTGCCACCACAGCGAGTTTGCCTTCCTTGATAATGTACATCTCT[C>T]GTCCGATATCCCCTTTCTTGCAAATATAATCTCCAGGACTGTAGACTTGGGGTTGCAATT-3'
Protein context (NP_001366199.1, residues 500-520): DYICKKGDIG[Arg510Gln]EMYIIKEGKL

ClinVar aggregate classification (germline): Uncertain significance. Review status: criteria provided, multiple submitters, no conflicts (2 of 4 stars). 3 submissions from 3 submitters: Uncertain significance (3). Last evaluated 2024-08-28.

Conditions:
Inborn genetic diseases. Identifiers: MedGen C0950123, MeSH D030342.

Allele frequency attached by ClinVar (database versions not stated): gnomAD 0.00001; gnomAD exomes 0.00001; ExAC 0.00002; TOPMed 0.00002.
gnomAD v4.1: 15 of 1,613,882 alleles (0.00093%); highest among the groups gnomAD compares: Non-Finnish European, 0.0012%; no homozygotes.

Submissions (3):

Ambry Genetics
Classification: Uncertain significance for Inborn genetic diseases. Last evaluated: 2024-08-28. Review status: criteria provided, single submitter. Criteria: Ambry Variant Classification Scheme 2023. Collection method: clinical testing. Allele origin: germline.

Labcorp Genetics (formerly Invitae), Labcorp
Classification: Uncertain significance. Last evaluated: 2022-06-15. Review status: criteria provided, single submitter. Criteria: Invitae Variant Classification Sherloc (09022015). Collection method: clinical testing. Allele origin: germline.
Comment: This sequence change replaces arginine, which is basic and polar, with glutamine, which is neutral and polar, at codon 514 of the CNGA1 protein (p.Arg514Gln). This variant is present in population databases (rs767503938, gnomAD 0.004%). This variant has not been reported in the literature in individuals affected with CNGA1-related conditions. Algorithms developed to predict the effect of missense changes on protein structure and function are either unavailable or do not agree on the potential impact of this missense change (SIFT: "Deleterious"; PolyPhen-2: "Probably Damaging"; Align-GVGD: "Class C0"). In summary, the available evidence is currently insufficient to determine the role of this variant in disease. Therefore, it has been classified as a Variant of Uncertain Significance.

Blueprint Genetics
Classification: Uncertain significance. Last evaluated: 2021-03-25. Review status: criteria provided, single submitter. Criteria: ACMG Guidelines, 2015. Collection method: clinical testing. Allele origin: germline.